The following is an entry in ClinVar:

ClinVar aggregate classification (germline): Uncertain significance. Review status: criteria provided, single submitter (1 of 4 stars). 2 submissions from 2 submitters: Uncertain significance (1). 1 of the submissions does not count toward it. Last evaluated 2019-06-21.

Conditions:
Branchiootic syndrome 3 (BOS3). Also called: BO SYNDROME 3. Identifiers: MedGen C1842124, MONDO:0012025, OMIM 608389.

Submissions (2):

GeneDx
Classification: Uncertain significance. Last evaluated: 2019-06-21. Review status: criteria provided, single submitter. Criteria: GeneDx Variant Classification Process June 2021. Collection method: clinical testing. Allele origin: germline. Affected: yes.
Comment: Not observed in large population cohorts (Lek et al., 2016); In silico analysis, which includes protein predictors and evolutionary conservation, supports a deleterious effect; Has not been previously published as pathogenic or benign to our knowledge

Genomics England Pilot Project, Genomics England
Classification: Likely pathogenic for Branchiootic syndrome 3. Review status: no assertion criteria provided. Criteria: ACGS Guidelines, 2016. Collection method: clinical testing. Allele origin: germline. Affected: yes. Not counted in ClinVar's aggregate classification.

NM_005982.4(SIX1):c.517A>C (p.Lys173Gln)

Genes: MIR9718 (microRNA 9718; plus strand), SIX1 (SIX homeobox 1; minus strand). Cytogenetic location: 14q23.1.
Variant type: single nucleotide variant.
Coding change: c.517A>C on transcript NM_005982.4 (MANE Select); coding-DNA position 517, A replaced by C.
Protein change: p.Lys173Gln; replaces lysine 173 with glutamine.
Molecular consequence: missense variant. On other transcripts: non-coding transcript variant (1).
Genome position (GRCh38, 1-based): chr14:60,648,673, T>G on the plus strand (A>C on the coding strand, the complement: SIX1 is on the minus strand). VCF-style: chr14-60648673-T-G. GRCh37 (hg19) VCF-style: chr14-61115391-T-G.
Other names: short protein forms K173Q.
Identifiers: ClinVar variation 1184456 (VCV001184456.4), dbSNP rs2140240995, ClinGen allele CA389910145.
Genomic context (GRCh38, chr14:60,648,673, plus strand): 5'-GGAAGCACGCCGCGTACCTTTCCTTGGCCTCCGCGGCCCGGTCTCTTTGCCTCCGGTTCT[T>G]AAACCAGTTGCTGACCTGGGTGGTGGTGAGGCCGGTGGCCTCGGCCAGCTCCCGCTTCTC-3'
Protein context (NP_005973.1, residues 163-183): LTTTQVSNWF[Lys173Gln]NRRQRDRAAE